The following is an entry in ClinVar:

ClinVar aggregate classification (germline): Likely benign (0 of 4 stars; one submission).

Conditions:
CFAP418-related disorder. Also called: CFAP418-related condition.

Submission:

PreventionGenetics, part of Exact Sciences
Classification: Likely benign for CFAP418-related condition. Last evaluated: 2020-06-22. Review status: no assertion criteria provided. Collection method: clinical testing. Allele origin: germline.
Comment: This variant is classified as likely benign based on ACMG/AMP sequence variant interpretation guidelines (Richards et al. 2015 PMID: 25741868, with internal and published modifications).

NM_177965.4(CFAP418):c.375-10dup

Gene: CFAP418 (cilia and flagella associated protein 418; minus strand). Cytogenetic location: 8q22.1.
Variant type: Duplication.
Coding change: c.375-10dup on transcript NM_177965.4 (MANE Select); 10 bases into the intron before coding-DNA position 375, one base duplicated (C; older notation c.375-10dupC).
Molecular consequence: intron variant.
Genome position (GRCh38, 1-based): chr8:95,252,293, G duplicated on the plus strand (C on the coding strand, the reverse complement: CFAP418 is on the minus strand). VCF-style (leftmost placement, unchanged base first): chr8-95252292-A-AG. GRCh37 (hg19) VCF-style: chr8-96264520-A-AG.
Other names: c.375-4523dup (NM_001363260.1).
Identifiers: ClinVar variation 3351780 (VCV003351780.1).
Genomic context (GRCh38, chr8:95,252,292, plus strand): 5'-ATAGCTGACTACCAAGAAATCACAGGCTATACAACGCAGATGGTCACATGCTCTGTTCAG[A>AG]GAAAAAAAATTGTATATTAAAGATTATTGGTATCTTTAAATACCAATGAAAACATGGTGA-3'